The following is an entry in ClinVar:

NM_000059.4(BRCA2):c.8314G>A (p.Glu2772Lys)

Gene: BRCA2 (BRCA2 DNA repair associated; plus strand). Cytogenetic location: 13q13.1.
Variant type: single nucleotide variant.
Coding change: c.8314G>A on transcript NM_000059.4 (MANE Select); coding-DNA position 8314, G replaced by A.
Protein change: p.Glu2772Lys; replaces glutamic acid 2772 with lysine.
Molecular consequence: missense variant.
Genome position (GRCh38, 1-based): chr13:32,363,516, G>A. VCF-style: chr13-32363516-G-A. GRCh37 (hg19) VCF-style: chr13-32937653-G-A.
Other names: short protein forms E2772K.
Identifiers: ClinVar variation 142033 (VCV000142033.15), dbSNP rs397507975, ClinGen allele CA025563.

ClinVar aggregate classification (germline): Uncertain significance. Review status: criteria provided, multiple submitters, no conflicts (2 of 4 stars). 5 submissions from 5 submitters: Uncertain significance (4). 1 of the submissions does not count toward it. Last evaluated 2025-04-28.

Conditions:
BRCA2-related disorder. Also called: BRCA2-related condition; BRCA2-related disorders. Identifiers: MedGen CN239275.
Hereditary cancer-predisposing syndrome. Also called: Neoplastic Syndromes, Hereditary; Hereditary Cancer Syndrome; Hereditary neoplastic syndrome; Tumor predisposition. Identifiers: Orphanet 140162, MedGen C0027672, MeSH D009386, MONDO:0015356.
Hereditary breast ovarian cancer syndrome. Also called: Hereditary breast and ovarian cancer syndrome; Hereditary breast and/or ovarian cancer syndrome; BRCA1- and BRCA2-Associated Hereditary Breast and Ovarian Cancer; Hereditary breast and ovarian cancer; Breast and ovarian cancer; Hereditary breast and ovarian cancer syndrome (HBOC). Identifiers: Orphanet 145, MedGen C0677776, MeSH D061325, MONDO:0003582. Disease mechanism: loss of function.
Breast-ovarian cancer, familial, susceptibility to, 2 (BROVCA2). Also called: BRCA2 Hereditary Breast and Ovarian Cancer. Identifiers: Orphanet 145, MedGen C2675520, MONDO:0012933, OMIM 612555. Disease mechanism: loss of function.

Submissions (5):

Ambry Genetics
Classification: Uncertain significance for Hereditary cancer-predisposing syndrome. Last evaluated: 2025-04-28. Review status: criteria provided, single submitter. Criteria: Ambry Variant Classification Scheme 2023. Collection method: clinical testing. Allele origin: germline.
Comment: The p.E2772K variant (also known as c.8314G>A), located in coding exon 17 of the BRCA2 gene, results from a G to A substitution at nucleotide position 8314. The glutamic acid at codon 2772 is replaced by lysine, an amino acid with similar properties. This amino acid position is not well conserved in available vertebrate species. In addition, the in silico prediction for this alteration is inconclusive. Based on the available evidence, the clinical significance of this variant remains unclear.

Labcorp Genetics (formerly Invitae), Labcorp
Classification: Uncertain significance for Hereditary breast ovarian cancer syndrome. Last evaluated: 2024-04-03. Review status: criteria provided, single submitter. Criteria: Invitae Variant Classification Sherloc (09022015). Collection method: clinical testing. Allele origin: germline.
Comment: This sequence change replaces glutamic acid, which is acidic and polar, with lysine, which is basic and polar, at codon 2772 of the BRCA2 protein (p.Glu2772Lys). This variant is not present in population databases (gnomAD no frequency). This variant has not been reported in the literature in individuals affected with BRCA2-related conditions. ClinVar contains an entry for this variant (Variation ID: 142033). Advanced modeling of protein sequence and biophysical properties (such as structural, functional, and spatial information, amino acid conservation, physicochemical variation, residue mobility, and thermodynamic stability) performed at Invitae indicates that this missense variant is not expected to disrupt BRCA2 protein function with a negative predictive value of 95%. In summary, the available evidence is currently insufficient to determine the role of this variant in disease. Therefore, it has been classified as a Variant of Uncertain Significance.

GeneDx
Classification: Uncertain significance. Last evaluated: 2023-12-22. Review status: criteria provided, single submitter. Criteria: GeneDx Variant Classification Process June 2021. Collection method: clinical testing. Allele origin: germline. Affected: yes.
Comment: Identified in individual(s) with breast cancer (PMID: 31871109); Not observed at significant frequency in large population cohorts (gnomAD); In silico analysis supports that this missense variant does not alter protein structure/function; Also known as 8542G>A; This variant is associated with the following publications: (PMID: 29884841, 32377563, 32160537, 31853058, 31871109, 12228710)

All of Us Research Program, National Institutes of Health
Classification: Uncertain significance for Breast-ovarian cancer, familial, susceptibility to, 2. Last evaluated: 2023-12-18. Review status: criteria provided, single submitter. Criteria: ACMG Guidelines, 2015. Collection method: clinical testing. Allele origin: germline. Inheritance: Autosomal dominant inheritance. Observed: 1 variant allele, 1 heterozygote.
Comment: This missense variant replaces glutamic acid with lysine at codon 2772 of the BRCA2 protein. Computational prediction suggests that this variant may not impact protein structure and function (internally defined REVEL score threshold <= 0.5, PMID: 27666373). To our knowledge, functional studies have not been reported for this variant. This variant has been reported in an individual affected with breast cancer (PMID: 31871109) and in an unaffected individual (PMID: 33471991; Leiden Open Variation Database DB-ID BRCA2_002120). This variant has not been identified in the general population by the Genome Aggregation Database (gnomAD). The available evidence is insufficient to determine the role of this variant in disease conclusively. Therefore, this variant is classified as a Variant of Uncertain Significance.

This study involves interpretation of variants in research participants for the purpose of population health screening. Participant phenotype was not available at the time of variant classification. Additional details can be found in publication PMID: 35346344, PMCID: PMC8962531

PreventionGenetics, part of Exact Sciences
Classification: Uncertain significance for BRCA2-related condition. Last evaluated: 2023-12-07. Review status: no assertion criteria provided. Collection method: clinical testing. Allele origin: germline. Not counted in ClinVar's aggregate classification.
Comment: The BRCA2 c.8314G>A variant is predicted to result in the amino acid substitution p.Glu2772Lys. This variant was reported as a variant of uncertain significance in an individual with breast cancer (Adedokun et al. 2020. PubMed ID: 31871109). This variant has not been reported in a large population database, indicating this variant is rare. This variant is interpreted as a variant of uncertain clinical significance in Clinvar. At this time, the clinical significance of this variant is uncertain due to the absence of conclusive functional and genetic evidence.

Literature cited by the submitters: PubMed 31871109 (cited by All of Us Research Program, National Institutes of Health); PubMed 33471991 (cited by All of Us Research Program, National Institutes of Health).